The following is an entry in ClinVar:

ClinVar aggregate classification (germline): Likely benign (0 of 4 stars; one submission).

Conditions:
IL6R-related disorder. Also called: IL6R-related condition.

Submission:

PreventionGenetics, part of Exact Sciences
Classification: Likely benign for IL6R-related condition. Last evaluated: 2019-07-10. Review status: no assertion criteria provided. Collection method: clinical testing. Allele origin: germline.
Comment: This variant is classified as likely benign based on ACMG/AMP sequence variant interpretation guidelines (Richards et al. 2015 PMID: 25741868, with internal and published modifications).

NM_000565.4(IL6R):c.949+1318_949+1320dup

Gene: IL6R (interleukin 6 receptor; plus strand). Cytogenetic location: 1q21.3.
Variant type: Duplication.
Coding change: c.949+1318_949+1320dup on transcript NM_000565.4 (MANE Select); bases 1318 to 1320 of the intron after coding-DNA position 949, 3 bases duplicated (TTT; older notation c.949+1318_949+1320dupTTT).
Molecular consequence: intron variant.
Genome position (GRCh38, 1-based): chr1:154,437,428-154,437,430, TTT duplicated; duplicating any 3 consecutive bases within chr1:154,437,418-154,437,430 gives the same sequence; the c. name uses the placement nearest the transcript's 3' end. VCF-style (leftmost placement, unchanged base first): chr1-154437417-A-ATTT. GRCh37 (hg19) VCF-style: chr1-154409893-A-ATTT.
Other names: c.949+1318_949+1320dup (NM_001382771.1, NM_001382773.1, NM_001382770.1 and 2 more transcripts); c.943+1318_943+1320dup (NM_001382772.1); c.589+1318_589+1320dup (NM_001382774.1); c.950-7_950-5dup (NM_001206866.2).
Identifiers: ClinVar variation 3041305 (VCV003041305.2), dbSNP rs71586015, ClinGen allele CA1129187.